The following is an entry in ClinVar:

NM_001365536.1(SCN9A):c.*217G>A

Genes: SCN1A-AS1 (SCN1A and SCN9A antisense RNA 1; plus strand), SCN9A (sodium voltage-gated channel alpha subunit 9; minus strand). Cytogenetic location: 2q24.3.
Variant type: single nucleotide variant.
Coding change: c.*217G>A on transcript NM_001365536.1 (MANE Select); 217 bases downstream of the stop codon, G replaced by A.
Molecular consequence: 3 prime UTR variant.
Genome position (GRCh38, 1-based): chr2:166,198,455, C>T on the plus strand (G>A on the coding strand, the complement: SCN9A is on the minus strand). VCF-style: chr2-166198455-C-T. GRCh37 (hg19) VCF-style: chr2-167054965-C-T.
Other names: c.*217G>A (NM_002977.4).
Identifiers: ClinVar variation 331954 (VCV000331954.6), dbSNP rs200625860, ClinGen allele CA10612794.

ClinVar aggregate classification (germline): Conflicting classifications of pathogenicity. Review status: criteria provided, conflicting classifications (1 of 4 stars). 3 submissions from 1 submitter: Uncertain significance (1); Benign (2). Last evaluated 2018-01-12.

Conditions:
Channelopathy-associated congenital insensitivity to pain, autosomal recessive. Also called: Insensitivity to pain, channelopathy-associated; ASYMBOLIA FOR PAIN; CONGENITAL ANALGESIA, AUTOSOMAL RECESSIVE. Identifiers: Orphanet 88642, Orphanet 970, MedGen C1855739, MONDO:0009459, OMIM 243000.
Primary erythromelalgia. Also called: SCN9A Erythromelalgia (SCN9A-EM); primary erythermalgia. Identifiers: Orphanet 306577, Orphanet 90026, MedGen C0014805, MONDO:0007571, OMIM 133020.
Paroxysmal extreme pain disorder (PEXPD). Also called: PAIN, SUBMANDIBULAR, OCULAR, AND RECTAL, WITH FLUSHING; RECTAL PAIN, FAMILIAL; SCN9A Paroxysmal Extreme Pain Disorder (SCN9A-PEPD). Identifiers: Orphanet 46348, MedGen C1833661, MONDO:0008179, OMIM 167400.

Allele frequency attached by ClinVar (database versions not stated): gnomAD 0.00001 and 0.00010; TOPMed 0.00001; gnomAD exomes 0.00019; 1000 Genomes Project 30x 0.00031; 1000 Genomes Project 0.00040.
gnomAD v4.1: 82 of 510,508 alleles (0.016%); highest among the groups gnomAD compares: South Asian, 0.26%; 4 homozygotes.

Submissions (3):

Illumina Laboratory Services, Illumina
Classification: Uncertain significance for Channelopathy-associated congenital insensitivity to pain, autosomal recessive. Last evaluated: 2018-01-12. Review status: criteria provided, single submitter. Criteria: ICSL Variant Classification Criteria 13 December 2019. Collection method: clinical testing. Allele origin: germline.

Illumina Laboratory Services, Illumina
Classification: Benign for Paroxysmal extreme pain disorder. Last evaluated: 2018-01-12. Review status: criteria provided, single submitter. Criteria: ICSL Variant Classification Criteria 13 December 2019. Collection method: clinical testing. Allele origin: germline.
Comment: This variant was observed in the ICSL laboratory as part of a predisposition screen in an ostensibly healthy population. It had not been previously curated by ICSL or reported in the Human Gene Mutation Database (HGMD: prior to June 1st, 2018), and was therefore a candidate for classification through an automated scoring system. Utilizing variant allele frequency, disease prevalence and penetrance estimates, and inheritance mode, an automated score was calculated to assess if this variant is too frequent to cause the disease. Based on the score and internal cut-off values, a variant classified as benign is not then subjected to further curation. The score for this variant resulted in a classification of benign for this disease.

Illumina Laboratory Services, Illumina
Classification: Benign for Primary erythromelalgia. Last evaluated: 2018-01-12. Review status: criteria provided, single submitter. Criteria: ICSL Variant Classification Criteria 13 December 2019. Collection method: clinical testing. Allele origin: germline.
Comment: the same text as in the submission from Illumina Laboratory Services, Illumina above.